The following is an entry in ClinVar:

ClinVar aggregate classification (germline): Conflicting classifications of pathogenicity. Review status: criteria provided, conflicting classifications (1 of 4 stars). 2 submissions from 2 submitters: Uncertain significance (1); Likely benign (1). Last evaluated 2025-11-03.

Conditions:
Neurofibromatosis, type 1 (NF1). Also called: Peripheral type neurofibromatosis; VON RECKLINGHAUSEN DISEASE; Neurofibromatosis, type I; NEUROFIBROMATOSIS, TYPE I, SOMATIC. Identifiers: Orphanet 636, MedGen C0027831, MONDO:0018975, OMIM 162200. Disease mechanism: loss of function.
Hereditary cancer-predisposing syndrome. Also called: Tumor predisposition; Hereditary neoplastic syndrome; Neoplastic Syndromes, Hereditary; Hereditary Cancer Syndrome. Identifiers: Orphanet 140162, MedGen C0027672, MeSH D009386, MONDO:0015356.
Cardiovascular phenotype. Identifiers: MedGen CN230736.

Allele frequency attached by ClinVar (database versions not stated): gnomAD exomes below 0.00001.
gnomAD v4.1: 1 of 1,539,776 alleles (0.000065%); highest among the groups gnomAD compares: East Asian, 0.0024%; no homozygotes.

Submissions (2):

Labcorp Genetics (formerly Invitae), Labcorp
Classification: Likely benign for Neurofibromatosis, type 1. Last evaluated: 2025-11-03. Review status: criteria provided, single submitter. Criteria: Invitae Variant Classification Sherloc (09022015). Collection method: clinical testing. Allele origin: germline.

Ambry Genetics
Classification: Uncertain significance for Cardiovascular phenotype; Hereditary cancer-predisposing syndrome. Last evaluated: 2022-01-27. Review status: criteria provided, single submitter. Criteria: Ambry Variant Classification Scheme 2023. Collection method: clinical testing. Allele origin: germline.
Comment: The p.A12V variant (also known as c.35C>T), located in coding exon 1 of the NF1 gene, results from a C to T substitution at nucleotide position 35. The alanine at codon 12 is replaced by valine, an amino acid with similar properties. This alteration was observed with an allele frequency of 0.0000 in 53 unselected male breast cancer patients and was observed with an allele frequency of 0.0001 in 12,490 male controls of Japanese ancestry (Momozawa Y et al. Nat Commun, 2018 10;9:4083). This amino acid position is highly conserved in available vertebrate species. In addition, this alteration is predicted to be tolerated by in silico analysis. Since supporting evidence is limited at this time, the clinical significance of this alteration remains unclear.

NM_001042492.3(NF1):c.35C>T (p.Ala12Val)

Genes: MIR4733HG (MIR4733 host gene; minus strand), NF1 (neurofibromin 1; plus strand), LOC111811965 (NF1 (neurofibromin 1) promoter region; plus strand). Cytogenetic location: 17q11.2.
Variant type: single nucleotide variant.
Coding change: c.35C>T on transcript NM_001042492.3 (MANE Select); coding-DNA position 35, C replaced by T.
Protein change: p.Ala12Val; replaces alanine 12 with valine.
Molecular consequence: missense variant. On other transcripts: non-coding transcript variant (1).
Genome position (GRCh38, 1-based): chr17:31,095,344, C>T. VCF-style: chr17-31095344-C-T. GRCh37 (hg19) VCF-style: chr17-29422362-C-T.
Other names: c.35C>T, p.Ala12Val (NM_001128147.3, NM_000267.4); short protein forms A12V.
Identifiers: ClinVar variation 935275 (VCV000935275.7), dbSNP rs1911554964, ClinGen allele CA398979309.